The following is an entry in ClinVar:

NM_003060.4(SLC22A5):c.506G>C (p.Arg169Pro)

Gene: SLC22A5 (solute carrier family 22 member 5; plus strand). Cytogenetic location: 5q31.1.
Variant type: single nucleotide variant.
Coding change: c.506G>C on transcript NM_003060.4 (MANE Select); coding-DNA position 506, G replaced by C.
Protein change: p.Arg169Pro; replaces arginine 169 with proline.
Molecular consequence: missense variant.
Genome position (GRCh38, 1-based): chr5:132,384,155, G>C. VCF-style: chr5-132384155-G-C. GRCh37 (hg19) VCF-style: chr5-131719847-G-C.
Other names: c.578G>C, p.Arg193Pro (NM_001308122.2); short protein forms R169P, R193P.
Identifiers: ClinVar variation 945707 (VCV000945707.9), dbSNP rs121908889, ClinGen allele CA360804515.
Genomic context (GRCh38, chr5:132,384,155, plus strand): 5'-TTCCTGCTGCCCTTTTCCAGCTGGTTATCTGTCACTCTCCTTTTCTTCCCAGGTTTGGCC[G>C]GAAGAATGTGCTGTTCGTGACCATGGGCATGCAGACAGGCTTCAGCTTCCTGCAGATCTT-3'
Protein context (NP_003051.1, residues 159-179): ISGQLSDRFG[Arg169Pro]KNVLFVTMGM

ClinVar aggregate classification (germline): Pathogenic (1 of 4 stars; one submission).

Conditions:
Renal carnitine transport defect (CDSP). Also called: Primary carnitine deficiency; CARNITINE DEFICIENCY, SYSTEMIC, DUE TO DEFECT IN RENAL REABSORPTION OF CARNITINE; CARNITINE TRANSPORTER, PLASMA-MEMBRANE, DEFICIENCY OF; CARNITINE UPTAKE DEFECT; Carnitine Deficiency, Systemic; Systemic primary carnitine deficiency. Identifiers: Orphanet 158, MedGen C0342788, MONDO:0008919, OMIM 212140.

Submission:

Labcorp Genetics (formerly Invitae), Labcorp
Classification: Pathogenic for Renal carnitine transport defect. Last evaluated: 2022-07-25. Review status: criteria provided, single submitter. Criteria: Invitae Variant Classification Sherloc (09022015). Collection method: clinical testing. Allele origin: germline.
Comment: For these reasons, this variant has been classified as Pathogenic. This variant disrupts the p.Arg169 amino acid residue in SLC22A5. Other variant(s) that disrupt this residue have been determined to be pathogenic (PMID: 10425211, 11058897, 12210323, 20574985, 21922592, 23090741, 26828774). This suggests that this residue is clinically significant, and that variants that disrupt this residue are likely to be disease-causing. Advanced modeling of protein sequence and biophysical properties (such as structural, functional, and spatial information, amino acid conservation, physicochemical variation, residue mobility, and thermodynamic stability) performed at Invitae indicates that this missense variant is expected to disrupt SLC22A5 protein function. ClinVar contains an entry for this variant (Variation ID: 945707). This missense change has been observed in individual(s) with primary carnitine deficiency (PMID: 28841266). This variant is not present in population databases (gnomAD no frequency). This sequence change replaces arginine, which is basic and polar, with proline, which is neutral and non-polar, at codon 169 of the SLC22A5 protein (p.Arg169Pro).

Literature cited by the submitters: PubMed 10425211; PubMed 11058897; PubMed 12210323; PubMed 20574985; PubMed 21922592; PubMed 23090741; PubMed 26828774; PubMed 28841266.